The following is an entry in ClinVar:

ClinVar aggregate classification (germline): Likely pathogenic. Review status: criteria provided, multiple submitters, no conflicts (2 of 4 stars). 2 submissions from 2 submitters: Likely pathogenic (2). Last evaluated 2026-09-08.

Conditions:
Fabry disease. Also called: ALPHA-GALACTOSIDASE A DEFICIENCY; ANDERSON-FABRY DISEASE; CERAMIDE TRIHEXOSIDASE DEFICIENCY; GLA DEFICIENCY; HEREDITARY DYSTOPIC LIPIDOSIS; Angiokeratoma corporis diffusum. Identifiers: Orphanet 324, MedGen C0002986, MONDO:0010526, OMIM 301500, HP:0001071. Disease mechanism: Fabry disease is due to inactivating mutations in the X-linked GLA gene resulting in deficiency of the enzyme Alpha Galactosidase-A., loss of function.

Submissions (2):

Genomenon, Inc
Classification: Likely pathogenic for Fabry disease. Last evaluated: 2026-09-08. Review status: criteria provided, single submitter. Criteria: Genomenon Sequence Variant Interpretation Standards - Updated. Collection method: curation. Allele origin: germline. Affected: yes.
Comment: GLA p.Ala285Pro (c.853G>C) is a missense variant that changes the amino acid at codon 285 from Alanine to Proline. This variant has been observed in at least one proband with clinical features consistent with Fabry disease (PMID:16595074). At least one functional study has demonstrated a substantial alteration in protein function relative to the wild-type (PMID:27657681). It is absent or not present at a significant frequency in gnomAD. In silico models predict that this variant is possibly or probably damaging. In conclusion, we classify GLA p.Ala285Pro (c.853G>C) as a likely pathogenic variant.

Women's Health and Genetics/Laboratory Corporation of America, LabCorp
Classification: Likely pathogenic for Fabry disease. Last evaluated: 2025-11-11. Review status: criteria provided, single submitter. Criteria: LabCorp Variant Classification Summary - May 2015. Collection method: clinical testing. Allele origin: germline.
Comment: Variant summary: GLA c.853G>C (p.Ala285Pro) results in a non-conservative amino acid change in the encoded protein sequence. Algorithms developed to predict the effect of missense changes on protein structure and function all suggest that this variant is likely to be disruptive. The variant was absent in 183433 control chromosomes. c.853G>C has been observed in individual(s) affected with Fabry Disease (example, Shabbeer_2006). At least one publication reports experimental evidence evaluating an impact on protein function. The most pronounced variant effect results in <10% of normal leukocyte activity (Shabbeer_2006 citing the methodology from Desnick_1973). The following publications have been ascertained in the context of this evaluation (PMID: 25382311, 16595074). ClinVar contains an entry for this variant (Variation ID: 4087552). Based on the evidence outlined above, the variant was classified as likely pathogenic.

Literature cited by the submitters: PubMed 16595074 (cited by Genomenon, Inc and Women's Health and Genetics/Laboratory Corporation of America, LabCorp); PubMed 27657681 (cited by Genomenon, Inc); PubMed 25382311 (cited by Women's Health and Genetics/Laboratory Corporation of America, LabCorp).

NM_000169.3(GLA):c.853G>C (p.Ala285Pro)

Genes: GLA (galactosidase alpha; minus strand), RPL36A-HNRNPH2 (RPL36A-HNRNPH2 readthrough; plus strand). Cytogenetic location: Xq22.1.
Variant type: single nucleotide variant.
Coding change: c.853G>C on transcript NM_000169.3 (MANE Select); coding-DNA position 853, G replaced by C.
Protein change: p.Ala285Pro; replaces alanine 285 with proline.
Molecular consequence: missense variant. On other transcripts: non-coding transcript variant (3), intron variant (2).
Genome position (GRCh38, 1-based): chrX:101,398,516, C>G on the plus strand (G>C on the coding strand, the complement: GLA is on the minus strand). VCF-style: chrX-101398516-C-G. GRCh37 (hg19) VCF-style: chrX-100653504-C-G.
Other names: c.976G>C, p.Ala326Pro (NM_001406747.1); c.853G>C, p.Ala285Pro (NM_001406748.1); c.300+3059C>G (NM_001199973.2); c.177+6694C>G (NM_001199974.2); short protein forms A285P, A326P.
Identifiers: ClinVar variation 4087552 (VCV004087552.3).